The following is an entry in ClinVar:

ClinVar aggregate classification (germline): Likely pathogenic (1 of 4 stars; one submission).

Conditions:
Dilated cardiomyopathy 1G (CMD1G). Identifiers: Orphanet 154, MedGen C1858763, MONDO:0011400, OMIM 604145.
Autosomal recessive limb-girdle muscular dystrophy type 2J (LGMDR10). Also called: Limb-girdle muscular dystrophy, type 2J; MUSCULAR DYSTROPHY, LIMB-GIRDLE, AUTOSOMAL RECESSIVE 10. Identifiers: Orphanet 140922, MedGen C1837342, MONDO:0012127, OMIM 608807.

Submission:

Labcorp Genetics (formerly Invitae), Labcorp
Classification: Likely pathogenic for Dilated cardiomyopathy 1G; Autosomal recessive limb-girdle muscular dystrophy type 2J. Last evaluated: 2023-04-23. Review status: criteria provided, single submitter. Criteria: Invitae Variant Classification Sherloc (09022015). Collection method: clinical testing. Allele origin: germline.
Comment: In summary, the currently available evidence indicates that the variant is pathogenic, but additional data are needed to prove that conclusively. Therefore, this variant has been classified as Likely Pathogenic. This variant is located in the A band of TTN (PMID: 25589632). Truncating variants in this region are significantly overrepresented in patients affected with dilated cardiomyopathy (PMID: 25589632). Truncating variants in this region have also been reported in individuals affected with autosomal recessive centronuclear myopathy (PMID: 23975875). This variant has not been reported in the literature in individuals affected with TTN-related conditions. This variant is not present in population databases (gnomAD no frequency). This sequence change creates a premature translational stop signal (p.Gly21503Argfs*4) in the TTN gene. While this is not anticipated to result in nonsense mediated decay, it is expected to create a truncated TTN protein.

Literature cited by the submitters: PubMed 25589632; PubMed 23975875.

NM_001267550.2(TTN):c.64506dup (p.Gly21503fs)

Genes: TTN-AS1 (TTN antisense RNA 1; plus strand), TTN (titin; minus strand). Cytogenetic location: 2q31.2.
Variant type: Duplication.
Coding change: c.64506dup on transcript NM_001267550.2 (MANE Select); coding-DNA position 64506, one base duplicated (A; older notation c.64506dupA).
Protein change: p.Gly21503fs; shifts the reading frame from glycine 21503.
Molecular consequence: frameshift variant.
Genome position (GRCh38, 1-based): chr2:178,585,238, T duplicated on the plus strand (A on the coding strand, the reverse complement: TTN is on the minus strand); the first of 6 consecutive T bases (chr2:178,585,238-178,585,243); duplicating any one gives the same sequence. VCF-style (leftmost placement, unchanged base first): chr2-178585237-C-CT. GRCh37 (hg19) VCF-style: chr2-179449964-C-CT.
Other names: c.59583dup, p.Gly19862fs (NM_001256850.1); c.37311dup, p.Gly12438fs (NM_003319.4); c.56802dup, p.Gly18935fs (NM_133378.4); c.37686dup, p.Gly12563fs (NM_133432.3); c.37887dup, p.Gly12630fs (NM_133437.4); short protein forms G19862fs, G21503fs, G12630fs, G12563fs, G12438fs, G18935fs.
Identifiers: ClinVar variation 2939685 (VCV002939685.3), dbSNP rs2469176720, ClinGen allele CA2740096065.